The following is an entry in ClinVar:

NM_004415.4(DSP):c.1297C>A (p.Arg433Ser)

Gene: DSP (desmoplakin; plus strand). Cytogenetic location: 6p24.3.
Variant type: single nucleotide variant.
Coding change: c.1297C>A on transcript NM_004415.4 (MANE Select); coding-DNA position 1297, C replaced by A.
Protein change: p.Arg433Ser; replaces arginine 433 with serine.
Molecular consequence: missense variant.
Genome position (GRCh38, 1-based): chr6:7,568,467, C>A. VCF-style: chr6-7568467-C-A. GRCh37 (hg19) VCF-style: chr6-7568700-C-A.
Other names: c.1297C>A, p.Arg433Ser (NM_001008844.3, NM_001319034.2, NM_001406591.1); short protein forms R433S.
Identifiers: ClinVar variation 4759034 (VCV004759034.1).
Genomic context (GRCh38, chr6:7,568,467, plus strand): 5'-GTTTAAGTATGATTTTATTCACCATTGCAGAAAGAACGAGAGAAAATCCTTGAATACAAG[C>A]GTCAGGTGCAGAACTTGGTAAACAAGTCTAAGAAGATTGTACAGCTGAAGCCTCGTAACC-3'
Protein context (NP_004406.2, residues 423-443): KEREKILEYK[Arg433Ser]QVQNLVNKSK

ClinVar aggregate classification (germline): Uncertain significance (1 of 4 stars; one submission).

Conditions:
Cardiomyopathy (CMYO). Also called: Cardiomyopathies. Identifiers: Orphanet 167848, MedGen C0878544, MONDO:0004994, HP:0001638. Inheritance: Various modes of inheritance.

Submission:

Color Diagnostics, LLC DBA Color Health
Classification: Uncertain significance for Cardiomyopathy. Last evaluated: 2025-07-25. Review status: criteria provided, single submitter. Criteria: ACMG Guidelines, 2015. Collection method: clinical testing. Allele origin: germline.
Comment: This missense variant replaces arginine with serine at codon 433 of the DSP protein. Computational prediction is inconclusive regarding the impact of this variant on protein structure and function. To our knowledge, functional studies have not been reported for this variant. This variant has not been reported in individuals affected with DSP-related disorders in the literature. This variant has not been identified in the general population by the Genome Aggregation Database (gnomAD). The available evidence is insufficient to determine the role of this variant in disease conclusively. Therefore, this variant is classified as a Variant of Uncertain Significance.